The following is an entry in ClinVar:

NM_000501.4(ELN):c.1951G>A (p.Gly651Arg)

Gene: ELN (elastin; plus strand). Cytogenetic location: 7q11.23.
Variant type: single nucleotide variant.
Coding change: c.1951G>A on transcript NM_000501.4 (MANE Select); coding-DNA position 1951, G replaced by A.
Protein change: p.Gly651Arg; replaces glycine 651 with arginine.
Molecular consequence: missense variant.
Genome position (GRCh38, 1-based): chr7:74,063,653, G>A. VCF-style: chr7-74063653-G-A. GRCh37 (hg19) VCF-style: chr7-73477983-G-A.
Other names: c.1864G>A, p.Gly622Arg (NM_001081752.3); c.1909G>A, p.Gly637Arg (NM_001081753.3); c.1966G>A, p.Gly656Arg (NM_001081754.3); c.1894G>A, p.Gly632Arg (NM_001081755.3); c.1951G>A, p.Gly651Arg (NM_001278912.2); c.1708G>A, p.Gly570Arg (NM_001278913.2); c.1879G>A, p.Gly627Arg (NM_001278914.2); c.1969G>A, p.Gly657Arg (NM_001278915.2); and 4 more; short protein forms G651R, G603R, G627R, G637R, G713R, G570R, G622R, G656R.
Identifiers: ClinVar variation 228664 (VCV000228664.8), dbSNP rs34852121, ClinGen allele CA4293316.
Genomic context (GRCh38, chr7:74,063,653, plus strand): 5'-GGAGTCTAATGCTCAGCTGTCTCCACAGGCCTAGTGGGAGCCGCTGGGCTCGGAGGACTC[G>A]GAGTCGGAGGGCTTGGAGTTCCAGGTGTTGGGGGCCTTGGAGGTGAGAGTTGTTCTGAAA-3'
Protein context (NP_000492.2, residues 641-661): LVGAAGLGGL[Gly651Arg]VGGLGVPGVG

ClinVar aggregate classification (germline): Uncertain significance. Review status: criteria provided, multiple submitters, no conflicts (2 of 4 stars). 3 submissions from 3 submitters: Uncertain significance (3). Last evaluated 2025-12-08.

Conditions:
Supravalvar aortic stenosis (SVAS). Also called: Supravalvar aortic stenosis, Eisenberg type. Identifiers: Orphanet 3193, MedGen C0003499, MONDO:0008504, OMIM 185500, HP:0004381.

Allele frequency attached by ClinVar (database versions not stated): ExAC 0.00003; gnomAD 0.00004 and 0.00005; TOPMed 0.00006; gnomAD exomes 0.00007.
gnomAD v4.1: 95 of 1,613,680 alleles (0.0059%); highest among the groups gnomAD compares: African/African-American, 0.0067%; no homozygotes.

Submissions (3):

Labcorp Genetics (formerly Invitae), Labcorp
Classification: Uncertain significance for Supravalvar aortic stenosis. Last evaluated: 2025-12-08. Review status: criteria provided, single submitter. Criteria: Invitae Variant Classification Sherloc (09022015). Collection method: clinical testing. Allele origin: germline.
Comment: This sequence change replaces glycine, which is neutral and non-polar, with arginine, which is basic and polar, at codon 713 of the ELN protein (p.Gly713Arg). This variant is present in population databases (rs34852121, gnomAD 0.02%). This variant has not been reported in the literature in individuals affected with ELN-related conditions. ClinVar contains an entry for this variant (Variation ID: 228664). Invitae Evidence Modeling of protein sequence and biophysical properties (such as structural, functional, and spatial information, amino acid conservation, physicochemical variation, residue mobility, and thermodynamic stability) indicates that this missense variant is not expected to disrupt ELN protein function with a negative predictive value of 80%. In summary, the available evidence is currently insufficient to determine the role of this variant in disease. Therefore, it has been classified as a Variant of Uncertain Significance.

GeneDx
Classification: Uncertain significance. Last evaluated: 2024-12-16. Review status: criteria provided, single submitter. Criteria: GeneDx Variant Classification Process June 2021. Collection method: clinical testing. Allele origin: germline. Affected: yes.
Comment: In silico analysis supports that this missense variant has a deleterious effect on protein structure/function; Has not been previously published as pathogenic or benign to our knowledge

Laboratory for Molecular Medicine, Mass General Brigham Personalized Medicine
Classification: Uncertain significance. Last evaluated: 2015-02-24. Review status: criteria provided, single submitter. Criteria: LMM Criteria. Collection method: clinical testing. Allele origin: germline. Observed: 1 variant allele.
Comment: The p.Gly651Arg variant in ELN has not been previously reported in individuals w ith pulmonary disease, but has been identified in 4/66714 European chromosomes b y the Exome Aggregation Consortium (ExAC; dbSNP rs34852121). Computational prediction tools and conservation analysis do not pro vide strong support for or against an impact to the protein. In summary, the cli nical significance of the p.Gly651Arg variant is uncertain.